The following is an entry in ClinVar:

NM_001382391.1(CSPP1):c.1612G>T (p.Ala538Ser)

Gene: CSPP1 (centrosome and spindle pole associated protein 1; plus strand). Cytogenetic location: 8q13.2.
Variant type: single nucleotide variant.
Coding change: c.1612G>T on transcript NM_001382391.1 (MANE Select); coding-DNA position 1612, G replaced by T.
Protein change: p.Ala538Ser; replaces alanine 538 with serine.
Molecular consequence: missense variant.
Genome position (GRCh38, 1-based): chr8:67,118,363, G>T. VCF-style: chr8-67118363-G-T. GRCh37 (hg19) VCF-style: chr8-68030598-G-T.
Other names: c.715G>T, p.Ala239Ser (NM_001291339.2); c.1531G>T, p.Ala511Ser (NM_001363131.2); c.1570G>T, p.Ala524Ser (NM_001363132.2); c.1489G>T, p.Ala497Ser (NM_001363133.2); c.1678G>T, p.Ala560Ser (NM_001364869.1); c.1498G>T, p.Ala500Ser (NM_001364870.1); c.1597G>T, p.Ala533Ser (NM_024790.7); short protein forms A239S, A500S, A524S, A533S, A497S, A511S, A538S, A560S.
Identifiers: ClinVar variation 2179236 (VCV002179236.4), dbSNP rs1211264471, ClinGen allele CA371200868.
Genomic context (GRCh38, chr8:67,118,363, plus strand): 5'-ACTCCTTATGATGATGCATACTATTTTTATGGGTCCAGGAATACTTTCGATCCCAGTCTT[G>T]CTTATTGTAAGTTATCTATAGGGTAAGCATTTTCTCCCCGCTTGGCTCAATAAGGAAAAT-3'
Protein context (NP_001369320.1, residues 528-548): GSRNTFDPSL[Ala538Ser]YYGSGMMGVQ

ClinVar aggregate classification (germline): Uncertain significance (1 of 4 stars; one submission).

Conditions:
Joubert syndrome 21 (JBTS21). Identifiers: MedGen C3810212, MONDO:0014288, OMIM 615636.

gnomAD v4.1: 8 of 1,613,396 alleles (0.0005%); highest among the groups gnomAD compares: Non-Finnish European, 0.00068%; no homozygotes.

Submission:

Labcorp Genetics (formerly Invitae), Labcorp
Classification: Uncertain significance for Joubert syndrome 21. Last evaluated: 2024-02-23. Review status: criteria provided, single submitter. Criteria: Invitae Variant Classification Sherloc (09022015). Collection method: clinical testing. Allele origin: germline.
Comment: This sequence change replaces alanine, which is neutral and non-polar, with serine, which is neutral and polar, at codon 533 of the CSPP1 protein (p.Ala533Ser). This variant is not present in population databases (gnomAD no frequency). This variant has not been reported in the literature in individuals affected with CSPP1-related conditions. ClinVar contains an entry for this variant (Variation ID: 2179236). An algorithm developed to predict the effect of missense changes on protein structure and function (PolyPhen-2) suggests that this variant is likely to be tolerated. In summary, the available evidence is currently insufficient to determine the role of this variant in disease. Therefore, it has been classified as a Variant of Uncertain Significance.